The following is an entry in ClinVar:

NM_002615.7(SERPINF1):c.826TTC[1] (p.Phe277del)

Gene: SERPINF1 (serpin family F member 1; plus strand). Cytogenetic location: 17p13.3.
Variant type: Microsatellite.
Coding change: c.826TTC[1] on transcript NM_002615.7 (MANE Select); one copy of the 3-base unit TTC starting at c.826; the reference has two copies in a row; one copy, 3 bases deleted; also written c.829_831del.
Protein change: p.Phe277del; deletes phenylalanine 277.
Molecular consequence: inframe deletion.
Genome position (GRCh38, 1-based): chr17:1,776,574-1,776,576, TTC deleted; deleting any 3 consecutive bases within chr17:1,776,569-1,776,576 gives the same sequence; the position shown is the placement nearest the transcript's 3' end. VCF-style (leftmost placement, unchanged base first): chr17-1776568-ATCT-A. GRCh37 (hg19) VCF-style: chr17-1679862-ATCT-A.
Other names: p.Phe277del; c.826TTC[1], p.Phe277del (NM_001329903.2); c.265TTC[1], p.Phe90del (NM_001329904.2, NM_001329905.2); c.829_831del (NM_002615.7, NM_002615.5); c.824_826del (NM_002615.7); short protein forms F277del, F90del.
Identifiers: ClinVar variation 1342721 (VCV001342721.6), dbSNP rs773952734, ClinGen allele CA8274871.
Genomic context (GRCh38, chr17:1,776,568, plus strand): 5'-CACATGCTTTCTCACTTGTCTCAGATTGCCCAGCTGCCCTTGACCGGAAGCATGAGTATC[ATCT>A]TCTTCCTGCCCCTGAAAGTGACCCAGAATTTGACCTTGATAGAGGAGAGCCTCACCTCCG-3'

ClinVar aggregate classification (germline): Conflicting classifications of pathogenicity. Review status: criteria provided, conflicting classifications (1 of 4 stars). 4 submissions from 4 submitters: Pathogenic (1); Likely pathogenic (2); Uncertain significance (1). Last evaluated 2023-07-17.

Conditions:
Osteogenesis imperfecta type 6. Also called: Osteogenesis imperfecta, type VI. Identifiers: Orphanet 666, MedGen C3279564, MONDO:0013515, OMIM 613982.

Submissions (4):

GeneDx
Classification: Pathogenic. Last evaluated: 2023-07-17. Review status: criteria provided, single submitter. Criteria: GeneDx Variant Classification Process June 2021. Collection method: clinical testing. Allele origin: germline. Affected: yes.
Comment: Published functional studies demonstrate the variant destroys PEDF secretion and causes endoplasmic reticulum stress (Al-Jallad et al., 2015); In-frame deletion of 1 amino acid in a non-repeat region; In silico analysis supports a deleterious effect on protein structure/function; This variant is associated with the following publications: (PMID: 37425194, 32770541, 30715774, 25868797, 22669302, 25450603)

Department of Pathology and Laboratory Medicine, Sinai Health System
Classification: Uncertain significance for Osteogenesis imperfecta type 6. Last evaluated: 2023-07-10. Review status: criteria provided, single submitter. Criteria: ACMG Guidelines, 2015. Collection method: research. Allele origin: germline.

Foundation for Research in Genetics and Endocrinology, FRIGE's Institute of Human Genetics
Classification: Likely pathogenic for Osteogenesis imperfecta type 6. Last evaluated: 2021-09-27. Review status: criteria provided, single submitter. Criteria: ACMG Guidelines, 2015. Collection method: clinical testing. Allele origin: germline. Inheritance: Autosomal recessive inheritance. Affected: yes. Observed: 1 heterozygote.
Comment: A heterozygous three base pair deletion in exon 7 of the SERPINF1 gene that results in the in-frame deletion of phenylalanine amino acid was detected. The observed variant c.829_831del (p.Phe277del) has not been reported in the 1000 genomes and has a minor allele frequency of 0.0007% in gnomAD database. The in silico prediction of the variant is damaging by MutationTaster2. The reference codon is conserved across species. In summary, the variant meets our criteria to be classified as a likely pathogenic variant.

Kasturba Medical College, Manipal, Kasturba Medical College, Manipal, Manipal Academy of Higher Education, Manipal, India
Classification: Likely pathogenic for Osteogenesis imperfecta type 6. Review status: criteria provided, single submitter. Criteria: ACMG Guidelines, 2015. Collection method: clinical testing. Allele origin: paternal. Inheritance: Autosomal recessive inheritance. Affected: yes. Observed: 1 compound heterozygote.

Literature cited by the submitters: DOI 10.1016/j.bone.2015.04.008 (cited by Kasturba Medical College, Manipal, Kasturba Medical College, Manipal, Manipal Academy of Higher Education, Manipal, India).